The following is an entry in ClinVar:

ClinVar aggregate classification (germline): Uncertain significance. Review status: criteria provided, multiple submitters, no conflicts (2 of 4 stars). 2 submissions from 2 submitters: Uncertain significance (2). Last evaluated 2024-03-30.

Conditions:
46 XY differences of sex development. Also called: 46, XY disorder of sex development (DSD); 46,XY disorder of sex development. Identifiers: Orphanet 98085, MedGen C2751824, MONDO:0020040.
Oligosynaptic infertility (SPGF1). Also called: SPERMATOGENIC FAILURE 1; OLIGOCHIASMATIC INFERTILITY. Identifiers: MedGen C0403810, MONDO:0009776, OMIM 258150.
Inborn genetic diseases. Identifiers: MedGen C0950123, MeSH D030342.

Allele frequency attached by ClinVar (database versions not stated): gnomAD 0.00001; gnomAD exomes 0.00002.

Submissions (2):

Ambry Genetics
Classification: Uncertain significance for Inborn genetic diseases. Last evaluated: 2024-03-30. Review status: criteria provided, single submitter. Criteria: Ambry Variant Classification Scheme 2023. Collection method: clinical testing. Allele origin: germline.

Labcorp Genetics (formerly Invitae), Labcorp
Classification: Uncertain significance for 46 XY differences of sex development; Oligosynaptic infertility. Last evaluated: 2023-10-13. Review status: criteria provided, single submitter. Criteria: Invitae Variant Classification Sherloc (09022015). Collection method: clinical testing. Allele origin: germline.
Comment: This sequence change replaces glycine, which is neutral and non-polar, with valine, which is neutral and non-polar, at codon 162 of the NR5A1 protein (p.Gly162Val). This variant is present in population databases (no rsID available, gnomAD 0.03%). This variant has not been reported in the literature in individuals affected with NR5A1-related conditions. ClinVar contains an entry for this variant (Variation ID: 1369068). An algorithm developed to predict the effect of missense changes on protein structure and function (PolyPhen-2) suggests that this variant is likely to be tolerated. In summary, the available evidence is currently insufficient to determine the role of this variant in disease. Therefore, it has been classified as a Variant of Uncertain Significance.

NM_004959.5(NR5A1):c.485G>T (p.Gly162Val)

Gene: NR5A1 (nuclear receptor subfamily 5 group A member 1; minus strand). Cytogenetic location: 9q33.3.
Variant type: single nucleotide variant.
Coding change: c.485G>T on transcript NM_004959.5 (MANE Select); coding-DNA position 485, G replaced by T.
Protein change: p.Gly162Val; replaces glycine 162 with valine.
Molecular consequence: missense variant.
Genome position (GRCh38, 1-based): chr9:124,500,475, C>A on the plus strand (G>T on the coding strand, the complement: NR5A1 is on the minus strand). VCF-style: chr9-124500475-C-A. GRCh37 (hg19) VCF-style: chr9-127262754-C-A.
Other names: c.485G>T (NM_004959.4); short protein forms G162V.
Identifiers: ClinVar variation 1369068 (VCV001369068.7), dbSNP rs1380810335, ClinGen allele CA374887521.